The following is an entry in ClinVar:

ClinVar aggregate classification (germline): Uncertain significance. Review status: criteria provided, multiple submitters, no conflicts (2 of 4 stars). 2 submissions from 2 submitters: Uncertain significance (2). Last evaluated 2025-04-07.

Conditions:
Inborn genetic diseases. Identifiers: MedGen C0950123, MeSH D030342.
Hereditary spastic paraplegia 11. Also called: Nakamura Osame syndrome; Autosomal recessive hereditary spastic paraplegia, mental impairment, and thin corpus callosum; SPASTIC PARAPLEGIA, AUTOSOMAL RECESSIVE, COMPLICATED, WITH THIN CORPUS CALLOSUM; SPASTIC PARAPLEGIA, AUTOSOMAL RECESSIVE, WITH MENTAL IMPAIRMENT AND THIN CORPUS CALLOSUM; Spastic Paraplegia 11; Spastic paraplegia, mental retardation and thin corpus callosum. Identifiers: Orphanet 2822, MedGen C1858479, MONDO:0011445, OMIM 604360.

Allele frequency attached by ClinVar (database versions not stated): gnomAD 0.00001.
gnomAD v4.1: 1 of 1,613,024 alleles (0.000062%); highest among the groups gnomAD compares: Admixed American, 0.0017%; no homozygotes.

Submissions (2):

Ambry Genetics
Classification: Uncertain significance for Inborn genetic diseases. Last evaluated: 2025-04-07. Review status: criteria provided, single submitter. Criteria: Ambry Variant Classification Scheme 2023. Collection method: clinical testing. Allele origin: germline.

Labcorp Genetics (formerly Invitae), Labcorp
Classification: Uncertain significance for Hereditary spastic paraplegia 11. Last evaluated: 2022-03-02. Review status: criteria provided, single submitter. Criteria: Invitae Variant Classification Sherloc (09022015). Collection method: clinical testing. Allele origin: germline.
Comment: This sequence change replaces leucine, which is neutral and non-polar, with arginine, which is basic and polar, at codon 354 of the SPG11 protein (p.Leu354Arg). This variant is not present in population databases (gnomAD no frequency). This variant has not been reported in the literature in individuals affected with SPG11-related conditions. Algorithms developed to predict the effect of missense changes on protein structure and function are either unavailable or do not agree on the potential impact of this missense change (SIFT: "Deleterious"; PolyPhen-2: "Benign"; Align-GVGD: "Class C0"). In summary, the available evidence is currently insufficient to determine the role of this variant in disease. Therefore, it has been classified as a Variant of Uncertain Significance.

NM_025137.4(SPG11):c.1061T>G (p.Leu354Arg)

Gene: SPG11 (SPG11 vesicle trafficking associated, spatacsin; minus strand). Cytogenetic location: 15q21.1.
Variant type: single nucleotide variant.
Coding change: c.1061T>G on transcript NM_025137.4 (MANE Select); coding-DNA position 1061, T replaced by G.
Protein change: p.Leu354Arg; replaces leucine 354 with arginine.
Molecular consequence: missense variant.
Genome position (GRCh38, 1-based): chr15:44,651,886, A>C on the plus strand (T>G on the coding strand, the complement: SPG11 is on the minus strand). VCF-style: chr15-44651886-A-C. GRCh37 (hg19) VCF-style: chr15-44944084-A-C.
Other names: c.1061T>G, p.Leu354Arg (NM_001160227.2, NM_001411132.1); c.1061T>G (NM_025137.3); short protein forms L354R.
Identifiers: ClinVar variation 2142761 (VCV002142761.2), dbSNP rs2084791586, ClinGen allele CA392236676.